The following is an entry in ClinVar:

ClinVar aggregate classification (germline): Likely benign. Review status: criteria provided, multiple submitters, no conflicts (2 of 4 stars). 3 submissions from 3 submitters: Likely benign (2). 1 of the submissions does not count toward it. Last evaluated 2025-10-03.

Conditions:
SPEG-related disorder. Also called: SPEG-related condition.

Allele frequency attached by ClinVar (database versions not stated): gnomAD exomes 0.00010 and 0.00043; gnomAD 0.00011 and 0.00017; TOPMed 0.00019; ExAC 0.00039; 1000 Genomes Project 30x 0.00125; 1000 Genomes Project 0.00160.
gnomAD v4.1: 193 of 1,613,890 alleles (0.012%); highest among the groups gnomAD compares: East Asian, 0.31%; no homozygotes.

Submissions (3):

Labcorp Genetics (formerly Invitae), Labcorp
Classification: Likely benign. Last evaluated: 2025-10-03. Review status: criteria provided, single submitter. Criteria: Invitae Variant Classification Sherloc (09022015). Collection method: clinical testing. Allele origin: germline.

Blueprint Genetics
Classification: Likely benign. Last evaluated: 2024-11-21. Review status: criteria provided, single submitter. Criteria: ACMG Guidelines, 2015. Collection method: clinical testing. Allele origin: germline.

PreventionGenetics, part of Exact Sciences
Classification: Likely benign for SPEG-related condition. Last evaluated: 2019-06-06. Review status: no assertion criteria provided. Collection method: clinical testing. Allele origin: germline. Not counted in ClinVar's aggregate classification.
Comment: This variant is classified as likely benign based on ACMG/AMP sequence variant interpretation guidelines (Richards et al. 2015 PMID: 25741868, with internal and published modifications).

NM_005876.5(SPEG):c.3187G>A (p.Ala1063Thr)

Gene: SPEG (striated muscle enriched protein kinase; plus strand). Cytogenetic location: 2q35.
Variant type: single nucleotide variant.
Coding change: c.3187G>A on transcript NM_005876.5 (MANE Select); coding-DNA position 3187, G replaced by A.
Protein change: p.Ala1063Thr; replaces alanine 1063 with threonine.
Molecular consequence: missense variant.
Genome position (GRCh38, 1-based): chr2:219,468,622, G>A. VCF-style: chr2-219468622-G-A. GRCh37 (hg19) VCF-style: chr2-220333344-G-A.
Other names: short protein forms A1063T.
Identifiers: ClinVar variation 741102 (VCV000741102.13), dbSNP rs202124859, ClinGen allele CA2126094.